The following is an entry in ClinVar:

ClinVar aggregate classification (germline): Uncertain significance (1 of 4 stars; one submission).

Conditions:
Tay-Sachs disease (TSD). Also called: Hexosaminidase A Deficiency; HEXA DEFICIENCY; HEXA Disorders; GM2 gangliosidosis, type 1; Hexosaminidase alpha-subunit deficiency (variant B); Sphingolipidosis, Tay-Sachs. Identifiers: Orphanet 845, MedGen C0039373, MONDO:0010100, OMIM 272800.

Allele frequency attached by ClinVar (database versions not stated): gnomAD exomes below 0.00001; TOPMed 0.00002.
gnomAD v4.1: 6 of 1,614,230 alleles (0.00037%); highest among the groups gnomAD compares: South Asian, 0.0011%; no homozygotes.

Submission:

Labcorp Genetics (formerly Invitae), Labcorp
Classification: Uncertain significance for Tay-Sachs disease. Last evaluated: 2018-04-12. Review status: criteria provided, single submitter. Criteria: Invitae Variant Classification Sherloc (09022015). Collection method: clinical testing. Allele origin: germline.
Comment: This sequence change replaces arginine with histidine at codon 67 of the HEXA protein (p.Arg67His). The arginine residue is moderately conserved and there is a small physicochemical difference between arginine and histidine. This variant is not present in population databases (ExAC no frequency). This variant has not been reported in the literature in individuals with HEXA-related disease. Algorithms developed to predict the effect of missense changes on protein structure and function do not agree on the potential impact of this missense change (SIFT: "Tolerated"; PolyPhen-2: "Probably Damaging"; Align-GVGD: "Class C0"). In summary, the available evidence is currently insufficient to determine the role of this variant in disease. Therefore, it has been classified as a Variant of Uncertain Significance.

NM_000520.6(HEXA):c.200G>A (p.Arg67His)

Gene: HEXA (hexosaminidase subunit alpha; minus strand). Cytogenetic location: 15q23.
Variant type: single nucleotide variant.
Coding change: c.200G>A on transcript NM_000520.6 (MANE Select); coding-DNA position 200, G replaced by A.
Protein change: p.Arg67His; replaces arginine 67 with histidine.
Molecular consequence: missense variant. On other transcripts: non-coding transcript variant (1).
Genome position (GRCh38, 1-based): chr15:72,375,773, C>T on the plus strand (G>A on the coding strand, the complement: HEXA is on the minus strand). VCF-style: chr15-72375773-C-T. GRCh37 (hg19) VCF-style: chr15-72668114-C-T.
Other names: c.200G>A, p.Arg67His (NM_001318825.2); short protein forms R67H.
Identifiers: ClinVar variation 1903557 (VCV001903557.2), dbSNP rs1213459678, ClinGen allele CA393070190.
Genomic context (GRCh38, chr15:72,375,773, plus strand): 5'-GACTCACCTGTGAGGTAAGGACGGGGCCAAGACCCGGAACCGAAAAGCAGGTCACGATAG[C>T]GCTGGAAGGCCTCGTCGAGGACTGAGCAGCCGGGCTGCGCGGCCGAGCTGACATCGTACT-3'
Protein context (NP_000511.2, residues 57-77): GCSVLDEAFQ[Arg67His]YRDLLFGSGS